The following is an entry in ClinVar:

NM_000284.4(PDHA1):c.536T>C (p.Leu179Pro)

Gene: PDHA1 (pyruvate dehydrogenase E1 subunit alpha 1; plus strand). Cytogenetic location: Xp22.12.
Variant type: single nucleotide variant.
Coding change: c.536T>C on transcript NM_000284.4 (MANE Select); coding-DNA position 536, T replaced by C.
Protein change: p.Leu179Pro; replaces leucine 179 with proline.
Molecular consequence: missense variant. On other transcripts: intron variant (1).
Genome position (GRCh38, 1-based): chrX:19,354,516, T>C. VCF-style: chrX-19354516-T-C. GRCh37 (hg19) VCF-style: chrX-19372634-T-C.
Other names: c.650T>C, p.Leu217Pro (NM_001173454.2); c.557T>C, p.Leu186Pro (NM_001173455.2); c.511-833T>C (NM_001173456.2); short protein forms L179P, L186P, L217P.
Identifiers: ClinVar variation 1055439 (VCV001055439.9), dbSNP rs1555934165, ClinGen allele CA412393932.
Genomic context (GRCh38, chrX:19,354,516, plus strand): 5'-TCTGTGGTTCCTTTCTCGGTTGTCCTTAATGTTAGGTGCCCCTGGGCGCTGGGATTGCTC[T>C]AGCCTGTAAGTATAATGGAAAAGATGAGGTCTGCCTGACTTTATATGGCGATGGTGCTGC-3'
Protein context (NP_000275.1, residues 169-189): AQVPLGAGIA[Leu179Pro]ACKYNGKDEV

ClinVar aggregate classification (germline): Uncertain significance (1 of 4 stars; one submission).

Conditions:
Pyruvate dehydrogenase E1-alpha deficiency (PDHAD). Also called: Ataxia, intermittent, with pyruvate dehydrogenase, or decarboxylase, deficiency; ATAXIA, INTERMITTENT, WITH PYRUVATE DEHYDROGENASE DEFICIENCY; ATAXIA WITH LACTIC ACIDOSIS I; ATAXIA, INTERMITTENT, WITH ABNORMAL PYRUVATE METABOLISM. Identifiers: Orphanet 79243, MedGen C1839413, MONDO:0010717, OMIM 312170.

Submission:

Labcorp Genetics (formerly Invitae), Labcorp
Classification: Uncertain significance for Pyruvate dehydrogenase E1-alpha deficiency. Last evaluated: 2020-07-30. Review status: criteria provided, single submitter. Criteria: Invitae Variant Classification Sherloc (09022015). Collection method: clinical testing. Allele origin: germline.
Comment: This sequence change replaces leucine with proline at codon 179 of the PDHA1 protein (p.Leu179Pro). The leucine residue is highly conserved and there is a moderate physicochemical difference between leucine and proline. This variant is not present in population databases (ExAC no frequency). This variant has not been reported in the literature in individuals with PDHA1-related conditions. Algorithms developed to predict the effect of missense changes on protein structure and function are either unavailable or do not agree on the potential impact of this missense change (SIFT: "Deleterious"; PolyPhen-2: "Probably Damaging"; Align-GVGD: "Class C0"). In summary, the available evidence is currently insufficient to determine the role of this variant in disease. Therefore, it has been classified as a Variant of Uncertain Significance.